The following is an entry in ClinVar:

ClinVar aggregate classification (germline): Uncertain significance (1 of 4 stars; one submission).

Conditions:
Anauxetic dysplasia. Identifiers: Orphanet 93347, MedGen C1846796, MONDO:0011773.

Submission:

Labcorp Genetics (formerly Invitae), Labcorp
Classification: Uncertain significance for Anauxetic dysplasia. Last evaluated: 2021-08-07. Review status: criteria provided, single submitter. Criteria: Invitae Variant Classification Sherloc (09022015). Collection method: clinical testing. Allele origin: germline.
Comment: This variant occurs in the RMRP gene, which encodes an RNA molecule that does not result in a protein product. The frequency data for this variant in the population databases is considered unreliable, as metrics indicate insufficient coverage at this position in the ExAC database. This variant has not been reported in the literature in individuals affected with RMRP-related conditions. Experimental studies and prediction algorithms are not available or were not evaluated, and the functional significance of this variant is currently unknown. In summary, the available evidence is currently insufficient to determine the role of this variant in disease. Therefore, it has been classified as a Variant of Uncertain Significance.

NC_000009.12:g.35657706C>G

Gene: RMRP (RNA component of mitochondrial RNA processing endoribonuclease; minus strand). Cytogenetic location: 9p13.3.
Variant type: single nucleotide variant.
Genome position: GRCh38 VCF-style: chr9-35657706-C-G. GRCh37 (hg19) VCF-style: chr9-35657703-C-G.
Identifiers: ClinVar variation 1442278 (VCV001442278.6), dbSNP rs2131807621, ClinGen allele CA2573144611.